The following is an entry in ClinVar:

ClinVar aggregate classification (germline): Conflicting classifications of pathogenicity. Review status: criteria provided, conflicting classifications (1 of 4 stars). 6 submissions from 4 submitters: Uncertain significance (4); Likely benign (2). Last evaluated 2025-12-29.

Conditions:
Complement component 3 deficiency. Identifiers: Orphanet 280133, MedGen C3151071, MONDO:0013417, OMIM 613779.
Age related macular degeneration 9. Identifiers: MedGen C1969651, MONDO:0012659, OMIM 611378.
Atypical hemolytic-uremic syndrome with C3 anomaly. Also called: AHUS, SUSCEPTIBILITY TO, 5. Identifiers: Orphanet 2134, MedGen C2752037, MONDO:0013043, OMIM 612925.

Allele frequency attached by ClinVar (database versions not stated): ExAC 0.00003; gnomAD exomes 0.00004 and 0.00007; gnomAD 0.00007; TOPMed 0.00012.

Submissions (6):

Labcorp Genetics (formerly Invitae), Labcorp
Classification: Likely benign. Last evaluated: 2025-12-29. Review status: criteria provided, single submitter. Criteria: Invitae Variant Classification Sherloc (09022015). Collection method: clinical testing. Allele origin: germline.

Blueprint Genetics
Classification: Likely benign. Last evaluated: 2024-01-09. Review status: criteria provided, single submitter. Criteria: ACMG Guidelines, 2015. Collection method: clinical testing. Allele origin: germline.

Illumina Laboratory Services, Illumina
Classification: Uncertain significance for Complement component 3 deficiency. Last evaluated: 2018-01-12. Review status: criteria provided, single submitter. Criteria: ICSL Variant Classification Criteria 13 December 2019. Collection method: clinical testing. Allele origin: germline.

Illumina Laboratory Services, Illumina
Classification: Uncertain significance for Age related macular degeneration 9. Last evaluated: 2018-01-12. Review status: criteria provided, single submitter. Criteria: ICSL Variant Classification Criteria 13 December 2019. Collection method: clinical testing. Allele origin: germline.

Illumina Laboratory Services, Illumina
Classification: Uncertain significance for Atypical hemolytic-uremic syndrome with C3 anomaly. Last evaluated: 2018-01-12. Review status: criteria provided, single submitter. Criteria: ICSL Variant Classification Criteria 13 December 2019. Collection method: clinical testing. Allele origin: germline.

Center for Genomics, Ann and Robert H. Lurie Children's Hospital of Chicago
Classification: Uncertain significance for Complement component 3 deficiency; Atypical hemolytic-uremic syndrome with C3 anomaly; Age related macular degeneration 9. Review status: criteria provided, single submitter. Criteria: ACMG Guidelines, 2015. Collection method: clinical testing. Allele origin: germline.
Comment: C3 NM_000064.3 exon 14 p.Glu586= (c.1758G>A): This variant has not been reported in the literature but is present in 0.02% (3/15274) of Latino alleles in the Genome Aggregation Database. This variant is present in ClinVar (Variation ID:330320). Evolutionary conservation and computational predictive tools for this variant are limited or unavailable. Although this variant occurs in the exonic region, computational prediction tools suggest that it may alter splicing. However, further studies are needed to understand its impact. Of note, this variant is a silent variant and does not change the amino acid, reducing the probability that this variant is disease causing. In summary, data on this variant is insufficient for disease classification. Therefore, the clinical significance of this variant is uncertain.

NM_000064.4(C3):c.1758G>A (p.Glu586=)

Gene: C3 (complement C3; minus strand). Cytogenetic location: 19p13.3.
Variant type: single nucleotide variant.
Coding change: c.1758G>A on transcript NM_000064.4 (MANE Select); coding-DNA position 1758, G replaced by A.
Protein change: p.Glu586=; no amino-acid change (glutamic acid 586 retained).
Molecular consequence: synonymous variant.
Genome position (GRCh38, 1-based): chr19:6,709,771, C>T on the plus strand (G>A on the coding strand, the complement: C3 is on the minus strand). VCF-style: chr19-6709771-C-T. GRCh37 (hg19) VCF-style: chr19-6709782-C-T.
Other names: c.1758G>A (LRG_27t1).
Identifiers: ClinVar variation 330320 (VCV000330320.14), dbSNP rs764201055, ClinGen allele CA9129341.